The following is an entry in ClinVar:

ClinVar aggregate classification (germline): Uncertain significance (1 of 4 stars; one submission).

Conditions:
Aortic aneurysm, familial thoracic 8 (AAT8). Identifiers: MedGen C3809513, MONDO:0014187, OMIM 615436.

Submission:

Labcorp Genetics (formerly Invitae), Labcorp
Classification: Uncertain significance for Aortic aneurysm, familial thoracic 8. Last evaluated: 2022-08-27. Review status: criteria provided, single submitter. Criteria: Invitae Variant Classification Sherloc (09022015). Collection method: clinical testing. Allele origin: germline.
Comment: This sequence change falls in intron 6 of the PRKG1 gene. It does not directly change the encoded amino acid sequence of the PRKG1 protein. It affects a nucleotide within the consensus splice site. In summary, the available evidence is currently insufficient to determine the role of this variant in disease. Therefore, it has been classified as a Variant of Uncertain Significance. Variants that disrupt the consensus splice site are a relatively common cause of aberrant splicing (PMID: 17576681, 9536098). Algorithms developed to predict the effect of sequence changes on RNA splicing suggest that this variant is not likely to affect RNA splicing. This variant has not been reported in the literature in individuals affected with PRKG1-related conditions. This variant is not present in population databases (gnomAD no frequency).

Literature cited by the submitters: PubMed 17576681; PubMed 9536098.

NM_006258.4(PRKG1):c.841-3C>A

Gene: PRKG1 (protein kinase cGMP-dependent 1; plus strand). Cytogenetic location: 10q21.1.
Variant type: single nucleotide variant.
Coding change: c.841-3C>A on transcript NM_006258.4 (MANE Select); 3 bases into the intron before coding-DNA position 841, C replaced by A.
Molecular consequence: intron variant.
Genome position (GRCh38, 1-based): chr10:52,062,534, C>A. VCF-style: chr10-52062534-C-A. GRCh37 (hg19) VCF-style: chr10-53822294-C-A.
Other names: c.796-3C>A (NM_001098512.3); c.841-3C>A (NM_001374782.1); c.-369-3C>A (NM_001374781.1).
Identifiers: ClinVar variation 2008729 (VCV002008729.4), dbSNP rs2492034745, ClinGen allele CA2580081592.
Genomic context (GRCh38, chr10:52,062,534, plus strand): 5'-TAGTGTTCCTTTGTCCATTGTGGGTAAGCAGTGGATCTAAACTTTCATTGTTTCTCTTTG[C>A]AGGTAAATGTCACTCGTGAAGACTCACCGAGTGAAGACCCAGTCTTTCTTAGAACTTTAG-3'